The following is an entry in ClinVar:

NM_207122.2(EXT2):c.1718G>A (p.Trp573Ter)

Gene: EXT2 (exostosin glycosyltransferase 2; plus strand). Cytogenetic location: 11p11.2.
Variant type: single nucleotide variant.
Coding change: c.1718G>A on transcript NM_207122.2 (MANE Select); coding-DNA position 1718, G replaced by A.
Protein change: p.Trp573Ter; replaces tryptophan 573 with a stop codon.
Molecular consequence: nonsense.
Genome position (GRCh38, 1-based): chr11:44,232,408, G>A. VCF-style: chr11-44232408-G-A. GRCh37 (hg19) VCF-style: chr11-44253958-G-A.
Other names: c.1817G>A, p.Trp606Ter (NM_000401.3); c.1748G>A, p.Trp583Ter (NM_001178083.3); c.1718G>A, p.Trp573Ter (NM_001389628.1, NM_001389630.1); short protein forms W573*, W583*, W606*.
Identifiers: ClinVar variation 4851700 (VCV004851700.1).

ClinVar aggregate classification (germline): Likely pathogenic (1 of 4 stars; one submission).

Conditions:
EXT2-related disorder. Also called: EXT2-related condition.

Submission:

Greenwood Genetic Center Diagnostic Laboratories, Greenwood Genetic Center
Classification: Likely pathogenic for EXT2-related disorder. Last evaluated: 2025-01-07. Review status: criteria provided, single submitter. Criteria: ACMG Guidelines, 2015. Collection method: clinical testing. Allele origin: germline. Affected: yes.
Comment: PVS1, PM2